The following is an entry in ClinVar:

NM_002439.5(MSH3):c.2479C>T (p.His827Tyr)

Gene: MSH3 (mutS homolog 3; plus strand). Cytogenetic location: 5q14.1.
Variant type: single nucleotide variant.
Coding change: c.2479C>T on transcript NM_002439.5 (MANE Select); coding-DNA position 2479, C replaced by T.
Protein change: p.His827Tyr; replaces histidine 827 with tyrosine.
Molecular consequence: missense variant.
Genome position (GRCh38, 1-based): chr5:80,787,608, C>T. VCF-style: chr5-80787608-C-T. GRCh37 (hg19) VCF-style: chr5-80083427-C-T.
Other names: short protein forms H827Y.
Identifiers: ClinVar variation 2103117 (VCV002103117.4), dbSNP rs2546784330, ClinGen allele CA360283176.
Genomic context (GRCh38, chr5:80,787,608, plus strand): 5'-TGCTGCTGCTTCCGTAGGAAATTCAGTGAACATTATCACTCCTTGTGTAAAGCAGTGCAT[C>T]ACCTAGCAACTGTTGACTGCATTTTCTCCCTGGCCAAGGTCGCTAAGCAAGGAGATTACT-3'
Protein context (NP_002430.3, residues 817-837): HYHSLCKAVH[His827Tyr]LATVDCIFSL

ClinVar aggregate classification (germline): Uncertain significance (1 of 4 stars; one submission).

Submission:

Labcorp Genetics (formerly Invitae), Labcorp
Classification: Uncertain significance. Last evaluated: 2023-04-24. Review status: criteria provided, single submitter. Criteria: Invitae Variant Classification Sherloc (09022015). Collection method: clinical testing. Allele origin: germline.
Comment: ClinVar contains an entry for this variant (Variation ID: 2103117). In summary, the available evidence is currently insufficient to determine the role of this variant in disease. Therefore, it has been classified as a Variant of Uncertain Significance. An algorithm developed to predict the effect of missense changes on protein structure and function (PolyPhen-2) suggests that this variant is likely to be disruptive. This variant has not been reported in the literature in individuals affected with MSH3-related conditions. This variant is not present in population databases (gnomAD no frequency). This sequence change replaces histidine, which is basic and polar, with tyrosine, which is neutral and polar, at codon 827 of the MSH3 protein (p.His827Tyr).